The following is an entry in ClinVar:

ClinVar aggregate classification (germline): Uncertain significance (1 of 4 stars; one submission).

Submission:

GeneDx
Classification: Uncertain significance. Last evaluated: 2023-12-04. Review status: criteria provided, single submitter. Criteria: GeneDx Variant Classification Process June 2021. Collection method: clinical testing. Allele origin: germline. Affected: yes.
Comment: Frameshift variant predicted to result in abnormal protein length as the last 48 amino acids are replaced with 34 different amino acids in a gene for which loss-of-function is not an established mechanism of disease; Not observed at significant frequency in large population cohorts (gnomAD); Has not been previously published as pathogenic or benign to our knowledge

NM_213720.3(CHCHD10):c.283del (p.Gln95fs)

Gene: CHCHD10 (coiled-coil-helix-coiled-coil-helix domain containing 10; minus strand). Cytogenetic location: 22q11.23.
Variant type: Deletion.
Coding change: c.283del on transcript NM_213720.3 (MANE Select); coding-DNA position 283, one base deleted (C; older notation c.283delC).
Protein change: p.Gln95fs; shifts the reading frame from glutamine 95.
Molecular consequence: frameshift variant. On other transcripts: non-coding transcript variant (2).
Genome position (GRCh38, 1-based): chr22:23,766,254, G deleted on the plus strand (C on the coding strand, the reverse complement: CHCHD10 is on the minus strand); the first of 6 consecutive G bases (chr22:23,766,254-23,766,259); deleting any one gives the same sequence. VCF-style (leftmost placement, unchanged base first): chr22-23766253-TG-T. GRCh37 (hg19) VCF-style: chr22-24108440-TG-T.
Other names: c.304del, p.Gln102fs (NM_001301339.2); short protein forms Q102fs, Q95fs.
Identifiers: ClinVar variation 3365383 (VCV003365383.1).
Genomic context (GRCh38, chr22:23,766,253, plus strand): 5'-GTGGTGGAACAGTCCAGGAACTGCCTGATCTCGTAGGCGCAGGGCCCCATCTGCAGGGGC[TG>T]GGGGGCAGCGGGGGTGGGGGCCTGGGGGTACAGTGCAAGAGGCTGCAGGATCAGCTTGGA-3'